The following is an entry in ClinVar:

ClinVar aggregate classification (germline): Likely pathogenic (1 of 4 stars; one submission).

Submission:

GeneDx
Classification: Likely pathogenic. Last evaluated: 2016-06-24. Review status: criteria provided, single submitter. Criteria: GeneDx Variant Classification (06012015). Collection method: clinical testing. Allele origin: germline. Affected: yes.
Comment: The C508F variant in the PKD1 gene has not been reported previously as a pathogenic variant, nor as a benignvariant, to our knowledge. The C508F variant was not observed in approximately 3,500 individuals of European andAfrican American ancestry in the NHLBI Exome Sequencing Project, indicating it is not a common benign variant inthese populations. The C508F variant is a non-conservative amino acid substitution, which is likely to impactsecondary protein structure as these residues differ in polarity, charge, size and/or other properties. This substitutionoccurs at a position that is conserved across species. In silico analysis predicts this variant is probably damaging tothe protein structure/function. A missense variant in the same residue (C508R) has been reported in the Human GeneMutation Database in association with polycystic kidney disease (Rosetti et al., 2003; Stenson et al., 2014),supporting the functional importance of this region of the protein. Therefore, the C508F variant is a strong candidate for a pathogenic variant, however the possibility it may be a rare benign variant cannot be excluded.

NM_001009944.3(PKD1):c.1523G>T (p.Cys508Phe)

Gene: PKD1 (polycystin 1, transient receptor potential channel interacting; minus strand). Cytogenetic location: 16p13.3.
Variant type: single nucleotide variant.
Coding change: c.1523G>T on transcript NM_001009944.3 (MANE Select); coding-DNA position 1523, G replaced by T.
Protein change: p.Cys508Phe; replaces cysteine 508 with phenylalanine.
Molecular consequence: missense variant.
Genome position (GRCh38, 1-based): chr16:2,116,916, C>A on the plus strand (G>T on the coding strand, the complement: PKD1 is on the minus strand). VCF-style: chr16-2116916-C-A. GRCh37 (hg19) VCF-style: chr16-2166917-C-A.
Other names: c.1523G>T, p.Cys508Phe (NM_000296.4); short protein forms C508F.
Identifiers: ClinVar variation 372821 (VCV000372821.1), dbSNP rs1057518001, ClinGen allele CA16042982.
Genomic context (GRCh38, chr16:2,116,916, plus strand): 5'-TAGCTGTGCGGCGCTGAGCACAGGTCGGTGTTACACCACCCGGTGGGCCCGAGCCGGACG[C>A]AGTGCTCGGCTGTGGCTGGGTGTGGCTCCCCGGGCAGCCAGTTCTGGCAGCTCTCCAGGC-3'
Protein context (NP_001009944.3, residues 498-518): GEPHPATAEH[Cys508Phe]VRLGPTGWCN